The following is an entry in ClinVar:

ClinVar aggregate classification (germline): Uncertain significance. Review status: criteria provided, multiple submitters, no conflicts (2 of 4 stars). 2 submissions from 2 submitters: Uncertain significance (2). Last evaluated 2023-12-05.

Conditions:
Hereditary cancer-predisposing syndrome. Also called: Hereditary neoplastic syndrome; Tumor predisposition; Hereditary Cancer Syndrome; Neoplastic Syndromes, Hereditary. Identifiers: Orphanet 140162, MedGen C0027672, MeSH D009386, MONDO:0015356.
Hereditary breast ovarian cancer syndrome. Also called: Hereditary breast and/or ovarian cancer syndrome; BRCA1- and BRCA2-Associated Hereditary Breast and Ovarian Cancer; Breast and ovarian cancer; Hereditary breast and ovarian cancer; Hereditary breast and ovarian cancer syndrome; Hereditary breast and ovarian cancer syndrome (HBOC). Identifiers: Orphanet 145, MedGen C0677776, MeSH D061325, MONDO:0003582. Disease mechanism: loss of function.

Submissions (2):

Color Diagnostics, LLC DBA Color Health
Classification: Uncertain significance for Hereditary cancer-predisposing syndrome. Last evaluated: 2023-12-05. Review status: criteria provided, single submitter. Criteria: ACMG Guidelines, 2015. Collection method: clinical testing. Allele origin: germline.
Comment: This missense variant replaces glutamic acid with lysine at codon 3256 of the BRCA2 protein. Computational prediction suggests that this variant may not impact protein structure and function (internally defined REVEL score threshold <= 0.5, PMID: 27666373). To our knowledge, functional studies have not been reported for this variant. This variant has not been reported in individuals affected with BRCA2-related disorders in the literature. This variant has not been identified in the general population by the Genome Aggregation Database (gnomAD). The available evidence is insufficient to determine the role of this variant in disease conclusively. Therefore, this variant is classified as a Variant of Uncertain Significance.

Labcorp Genetics (formerly Invitae), Labcorp
Classification: Uncertain significance for Hereditary breast ovarian cancer syndrome. Last evaluated: 2022-11-10. Review status: criteria provided, single submitter. Criteria: Invitae Variant Classification Sherloc (09022015). Collection method: clinical testing. Allele origin: germline.
Comment: This sequence change replaces glutamic acid, which is acidic and polar, with lysine, which is basic and polar, at codon 3256 of the BRCA2 protein (p.Glu3256Lys). This variant is not present in population databases (gnomAD no frequency). This variant has not been reported in the literature in individuals affected with BRCA2-related conditions. ClinVar contains an entry for this variant (Variation ID: 491391). Advanced modeling of protein sequence and biophysical properties (such as structural, functional, and spatial information, amino acid conservation, physicochemical variation, residue mobility, and thermodynamic stability) performed at Invitae indicates that this missense variant is not expected to disrupt BRCA2 protein function. In summary, the available evidence is currently insufficient to determine the role of this variant in disease. Therefore, it has been classified as a Variant of Uncertain Significance.

NM_000059.4(BRCA2):c.9766G>A (p.Glu3256Lys)

Gene: BRCA2 (BRCA2 DNA repair associated; plus strand). Cytogenetic location: 13q13.1.
Variant type: single nucleotide variant.
Coding change: c.9766G>A on transcript NM_000059.4 (MANE Select); coding-DNA position 9766, G replaced by A.
Protein change: p.Glu3256Lys; replaces glutamic acid 3256 with lysine.
Molecular consequence: missense variant.
Genome position (GRCh38, 1-based): chr13:32,398,279, G>A. VCF-style: chr13-32398279-G-A. GRCh37 (hg19) VCF-style: chr13-32972416-G-A.
Other names: short protein forms E3256K.
Identifiers: ClinVar variation 491391 (VCV000491391.9), dbSNP rs1555289952, ClinGen allele CA387765772.